The following is an entry in ClinVar:

NM_005228.5(EGFR):c.2293G>C (p.Val765Leu)

Genes: EGFR (epidermal growth factor receptor; plus strand), EGFR-AS1 (EGFR antisense RNA 1; minus strand). Cytogenetic location: 7p11.2.
Variant type: single nucleotide variant.
Coding change: c.2293G>C on transcript NM_005228.5 (MANE Select); coding-DNA position 2293, G replaced by C.
Protein change: p.Val765Leu; replaces valine 765 with leucine.
Molecular consequence: missense variant. On other transcripts: non-coding transcript variant (1).
Genome position (GRCh38, 1-based): chr7:55,181,302, G>C. VCF-style: chr7-55181302-G-C. GRCh37 (hg19) VCF-style: chr7-55248995-G-C.
Other names: c.2293G>C (NM_005228.3); c.2158G>C, p.Val720Leu (NM_001346897.2, NM_001346899.2); c.2293G>C, p.Val765Leu (NM_001346898.2); c.2134G>C, p.Val712Leu (NM_001346900.2); c.1492G>C, p.Val498Leu (NM_001346941.2); short protein forms V498L, V720L, V712L, V765L.
Identifiers: ClinVar variation 1042440 (VCV001042440.9), dbSNP rs374873413, ClinGen allele CA4266049.
Genomic context (GRCh38, chr7:55,181,302, plus strand): 5'-CCTTCTGGCCACCATGCGAAGCCACACTGACGTGCCTCTCCCTCCCTCCAGGAAGCCTAC[G>C]TGATGGCCAGCGTGGACAACCCCCACGTGTGCCGCCTGCTGGGCATCTGCCTCACCTCCA-3'
Protein context (NP_005219.2, residues 755-775): ANKEILDEAY[Val765Leu]MASVDNPHVC

ClinVar aggregate classification (germline): Uncertain significance. Review status: criteria provided, multiple submitters, no conflicts (2 of 4 stars). 2 submissions from 2 submitters: Uncertain significance (2). Last evaluated 2026-01-22.

Conditions:
Hereditary cancer-predisposing syndrome. Also called: Hereditary Cancer Syndrome; Tumor predisposition; Hereditary neoplastic syndrome; Neoplastic Syndromes, Hereditary. Identifiers: Orphanet 140162, MedGen C0027672, MeSH D009386, MONDO:0015356.
EGFR-related lung cancer (EGFR). Identifiers: MedGen CN130014.

Allele frequency attached by ClinVar (database versions not stated): TOPMed 0.00002; ESP Exome Variant Server 0.00008.
gnomAD v4.1: 6 of 1,614,036 alleles (0.00037%); highest among the groups gnomAD compares: African/African-American, 0.0053%; no homozygotes.

Submissions (2):

Labcorp Genetics (formerly Invitae), Labcorp
Classification: Uncertain significance for EGFR-related lung cancer. Last evaluated: 2026-01-22. Review status: criteria provided, single submitter. Criteria: Invitae Variant Classification Sherloc (09022015). Collection method: clinical testing. Allele origin: germline.
Comment: This sequence change replaces valine, which is neutral and non-polar, with leucine, which is neutral and non-polar, at codon 765 of the EGFR protein (p.Val765Leu). This variant is present in population databases (rs374873413, gnomAD 0.01%). This variant has not been reported in the literature in individuals affected with EGFR-related conditions. ClinVar contains an entry for this variant (Variation ID: 1042440). Invitae Evidence Modeling of protein sequence and biophysical properties (such as structural, functional, and spatial information, amino acid conservation, physicochemical variation, residue mobility, and thermodynamic stability) indicates that this missense variant is not expected to disrupt EGFR protein function with a negative predictive value of 80%. In summary, the available evidence is currently insufficient to determine the role of this variant in disease. Therefore, it has been classified as a Variant of Uncertain Significance.

Ambry Genetics
Classification: Uncertain significance for Hereditary cancer-predisposing syndrome. Last evaluated: 2025-07-21. Review status: criteria provided, single submitter. Criteria: Ambry Variant Classification Scheme 2023. Collection method: clinical testing. Allele origin: germline.
Comment: The p.V765L variant (also known as c.2293G>C), located in coding exon 20 of the EGFR gene, results from a G to C substitution at nucleotide position 2293. The valine at codon 765 is replaced by leucine, an amino acid with highly similar properties. This amino acid position is highly conserved in available vertebrate species. In addition, the in silico prediction for this alteration is inconclusive. Based on the available evidence, the clinical significance of this variant remains unclear.